The following is an entry in ClinVar:

NM_001080467.3(MYO5B):c.2882G>A (p.Arg961Gln)

Gene: MYO5B (myosin VB; minus strand). Cytogenetic location: 18q21.1.
Variant type: single nucleotide variant.
Coding change: c.2882G>A on transcript NM_001080467.3 (MANE Select); coding-DNA position 2882, G replaced by A.
Protein change: p.Arg961Gln; replaces arginine 961 with glutamine.
Molecular consequence: missense variant.
Genome position (GRCh38, 1-based): chr18:49,895,104, C>T on the plus strand (G>A on the coding strand, the complement: MYO5B is on the minus strand). VCF-style: chr18-49895104-C-T. GRCh37 (hg19) VCF-style: chr18-47421474-C-T.
Other names: short protein forms R961Q.
Identifiers: ClinVar variation 1353087 (VCV001353087.6), dbSNP rs770979977, ClinGen allele CA8960905.
Genomic context (GRCh38, chr18:49,895,104, plus strand): 5'-AGCCTGAGGCTGGTGTCCTCACCTGGGCTCTGCTGGTAGTGCACCAGCTCCTTCTTCAGC[C>T]GCTCTACCTCCATGGTGTATGTTGAGGTGGTCACGGACAACTGCTCTGAAAGTGTCTTGA-3'
Protein context (NP_001073936.1, residues 951-971): TTSTYTMEVE[Arg961Gln]LKKELVHYQQ

ClinVar aggregate classification (germline): Uncertain significance (1 of 4 stars; one submission).

Allele frequency attached by ClinVar (database versions not stated): gnomAD 0.00002; TOPMed 0.00003; gnomAD exomes 0.00002; ExAC 0.00001.
gnomAD v4.1: 23 of 1,614,058 alleles (0.0014%); highest among the groups gnomAD compares: Middle Eastern, 0.066%; no homozygotes.

Submission:

Labcorp Genetics (formerly Invitae), Labcorp
Classification: Uncertain significance. Last evaluated: 2024-02-17. Review status: criteria provided, single submitter. Criteria: Invitae Variant Classification Sherloc (09022015). Collection method: clinical testing. Allele origin: germline.
Comment: This sequence change replaces arginine, which is basic and polar, with glutamine, which is neutral and polar, at codon 961 of the MYO5B protein (p.Arg961Gln). This variant is present in population databases (rs770979977, gnomAD 0.006%). This variant has not been reported in the literature in individuals affected with MYO5B-related conditions. ClinVar contains an entry for this variant (Variation ID: 1353087). Advanced modeling of protein sequence and biophysical properties (such as structural, functional, and spatial information, amino acid conservation, physicochemical variation, residue mobility, and thermodynamic stability) performed at Invitae indicates that this missense variant is not expected to disrupt MYO5B protein function with a negative predictive value of 80%. In summary, the available evidence is currently insufficient to determine the role of this variant in disease. Therefore, it has been classified as a Variant of Uncertain Significance.